The following is an entry in ClinVar:

ClinVar aggregate classification (germline): Uncertain significance (1 of 4 stars; one submission).

Conditions:
Hereditary cancer-predisposing syndrome. Also called: Hereditary neoplastic syndrome; Tumor predisposition; Hereditary Cancer Syndrome; Neoplastic Syndromes, Hereditary. Identifiers: Orphanet 140162, MedGen C0027672, MeSH D009386, MONDO:0015356.

Submission:

Ambry Genetics
Classification: Uncertain significance for Hereditary cancer-predisposing syndrome. Last evaluated: 2023-07-21. Review status: criteria provided, single submitter. Criteria: Ambry Variant Classification Scheme 2023. Collection method: clinical testing. Allele origin: germline.
Comment: The c.342T>C variant (also known as p.V114V), located in coding exon 4 of the NBN gene, results from a T to C substitution at nucleotide position 342. This nucleotide substitution does not change the valine at codon 114. This nucleotide position is well conserved in available vertebrate species. In silico splice site analysis for this alteration is inconclusive. Since supporting evidence is limited at this time, the clinical significance of this alteration remains unclear.

NM_002485.5(NBN):c.342T>C (p.Val114=)

Gene: NBN (nibrin; minus strand). Cytogenetic location: 8q21.3.
Variant type: single nucleotide variant.
Coding change: c.342T>C on transcript NM_002485.5 (MANE Select); coding-DNA position 342, T replaced by C.
Protein change: p.Val114=; no amino-acid change (valine 114 retained).
Molecular consequence: synonymous variant.
Genome position (GRCh38, 1-based): chr8:89,980,872, A>G on the plus strand (T>C on the coding strand, the complement: NBN is on the minus strand). VCF-style: chr8-89980872-A-G. GRCh37 (hg19) VCF-style: chr8-90993100-A-G.
Other names: c.96T>C, p.Val32= (NM_001024688.3).
Identifiers: ClinVar variation 2586811 (VCV002586811.2), dbSNP rs1563579495, ClinGen allele CA461831411.
Genomic context (GRCh38, chr8:89,980,872, plus strand): 5'-TTGCAATATAGCTTGATTTAAAGCAGTTTTCCCAGAGACATCTAAACAAGAAGAGCATGC[A>G]ACCAAAGGCTCATACTCTATTCTGTAAATGAGAATAAGTTAAATAAAGTCATAGTATCAG-3'
Protein context (NP_002476.2, residues 104-124): SKFRIEYEPL[Val114=]ACSSCLDVSG